The following is an entry in ClinVar:

ClinVar aggregate classification (germline): Conflicting classifications of pathogenicity. Review status: criteria provided, conflicting classifications (1 of 4 stars). 2 submissions from 2 submitters: Uncertain significance (1); Likely benign (1). Last evaluated 2025-02-01.

Allele frequency attached by ClinVar (database versions not stated): ESP Exome Variant Server 0.00015; TOPMed 0.00015; gnomAD 0.00024; ExAC 0.00035.
gnomAD v4.1: 458 of 1,612,758 alleles (0.028%); highest among the groups gnomAD compares: Non-Finnish European, 0.035%; 7 homozygotes.

Submissions (2):

CeGaT Center for Human Genetics Tuebingen
Classification: Likely benign. Last evaluated: 2025-02-01. Review status: criteria provided, single submitter. Criteria: CeGaT Center For Human Genetics Tuebingen Variant Classification Criteria Version 2. Collection method: clinical testing. Allele origin: germline. Affected: yes. Observed: 1 variant allele.
Comment: ATAD3B: BS2

Ambry Genetics
Classification: Uncertain significance. Last evaluated: 2024-10-24. Review status: criteria provided, single submitter. Criteria: Ambry Variant Classification Scheme 2023. Collection method: clinical testing. Allele origin: germline.

NM_031921.6(ATAD3B):c.1671T>G (p.Cys557Trp)

Gene: ATAD3B (ATPase family AAA domain containing 3B; plus strand). Cytogenetic location: 1p36.33.
Variant type: single nucleotide variant.
Coding change: c.1671T>G on transcript NM_031921.6 (MANE Select); coding-DNA position 1671, T replaced by G.
Protein change: p.Cys557Trp; replaces cysteine 557 with tryptophan.
Molecular consequence: missense variant.
Genome position (GRCh38, 1-based): chr1:1,495,541, T>G. VCF-style: chr1-1495541-T-G. GRCh37 (hg19) VCF-style: chr1-1430921-T-G.
Other names: c.1533T>G, p.Cys511Trp (NM_001317238.2); short protein forms C557W, C511W.
Identifiers: ClinVar variation 2290891 (VCV002290891.16), dbSNP rs148810475, ClinGen allele CA525313.